The following is an entry in ClinVar:

ClinVar aggregate classification (germline): Uncertain significance (1 of 4 stars; one submission).

gnomAD v4.1: 2 of 1,612,700 alleles (0.00012%); highest among the groups gnomAD compares: Non-Finnish European, 0.00017%; no homozygotes.

Submission:

GeneDx
Classification: Uncertain significance. Last evaluated: 2020-01-13. Review status: criteria provided, single submitter. Criteria: GeneDx Variant Classification Process June 2021. Collection method: clinical testing. Allele origin: germline. Affected: yes.
Comment: Not observed in large population cohorts (Lek et al., 2016); In silico analysis, which includes protein predictors and evolutionary conservation, supports a deleterious effect; Has not been previously published as pathogenic or benign to our knowledge

NM_205850.3(SLC24A5):c.967C>T (p.Pro323Ser)

Genes: MYEF2 (myelin expression factor 2; minus strand), SLC24A5 (solute carrier family 24 member 5; plus strand). Cytogenetic location: 15q21.1.
Variant type: single nucleotide variant.
Coding change: c.967C>T on transcript NM_205850.3 (MANE Select); coding-DNA position 967, C replaced by T.
Protein change: p.Pro323Ser; replaces proline 323 with serine.
Molecular consequence: missense variant. On other transcripts: 3 prime UTR variant (2).
Genome position (GRCh38, 1-based): chr15:48,139,064, C>T. VCF-style: chr15-48139064-C-T. GRCh37 (hg19) VCF-style: chr15-48431261-C-T.
Other names: c.*3844G>A (NM_001301210.2, NM_016132.5); short protein forms P323S.
Identifiers: ClinVar variation 1310860 (VCV001310860.2), dbSNP rs2038974980, ClinGen allele CA392452868.